The following is an entry in ClinVar:

ClinVar aggregate classification (germline): Uncertain significance (1 of 4 stars; one submission).

Conditions:
Catecholaminergic polymorphic ventricular tachycardia 1. Also called: VENTRICULAR TACHYCARDIA, CATECHOLAMINERGIC POLYMORPHIC, 1, WITH OR WITHOUT ATRIAL DYSFUNCTION AND/OR DILATED CARDIOMYOPATHY; VENTRICULAR TACHYCARDIA, STRESS-INDUCED POLYMORPHIC 1; RYR2-Related Catecholaminergic Polymorphic Ventricular Tachycardia. Identifiers: Orphanet 3286, MedGen C1631597, MONDO:0011484, OMIM 604772.

Submission:

Labcorp Genetics (formerly Invitae), Labcorp
Classification: Uncertain significance for Catecholaminergic polymorphic ventricular tachycardia 1. Last evaluated: 2022-04-12. Review status: criteria provided, single submitter. Criteria: Invitae Variant Classification Sherloc (09022015). Collection method: clinical testing. Allele origin: germline.
Comment: This sequence change falls in intron 38 of the TRDN gene. It does not directly change the encoded amino acid sequence of the TRDN protein. This variant is not present in population databases (gnomAD no frequency). In summary, the available evidence is currently insufficient to determine the role of this variant in disease. Therefore, it has been classified as a Variant of Uncertain Significance. Algorithms developed to predict the effect of sequence changes on RNA splicing suggest that this variant may disrupt the consensus splice site. This variant has not been reported in the literature in individuals affected with TRDN-related conditions.

NM_006073.4(TRDN):c.1975+14G>C

Gene: TRDN (triadin; minus strand). Cytogenetic location: 6q22.31.
Variant type: single nucleotide variant.
Coding change: c.1975+14G>C on transcript NM_006073.4 (MANE Select); 14 bases into the intron after coding-DNA position 1975, G replaced by C.
Molecular consequence: intron variant.
Genome position (GRCh38, 1-based): chr6:123,252,398, C>G on the plus strand (G>C on the coding strand, the complement: TRDN is on the minus strand). VCF-style: chr6-123252398-C-G. GRCh37 (hg19) VCF-style: chr6-123573543-C-G.
Identifiers: ClinVar variation 2125338 (VCV002125338.4), dbSNP rs1776404678, ClinGen allele CA1660336314.
Genomic context (GRCh38, chr6:123,252,398, plus strand): 5'-TATTTTATGAATTTCATCTTAAAATTGATACTATGTATCAAAGAGAACTTGTCATTAATA[C>G]AAACCGTACTTACTTGATACTCTTGCAGGTTTTTCTGCTAAAAAGAGAAAATAAATAAGT-3'